The following is an entry in ClinVar:

ClinVar aggregate classification (germline): Likely pathogenic (1 of 4 stars; one submission).

Allele frequency attached by ClinVar (database versions not stated): gnomAD exomes below 0.00001; gnomAD 0.00001 and 0.00003; ExAC 0.00002.

Submission:

GeneDx
Classification: Likely pathogenic. Last evaluated: 2017-04-12. Review status: criteria provided, single submitter. Criteria: GeneDx Variant Classification (06012015). Collection method: clinical testing. Allele origin: germline. Affected: yes.
Comment: The c.741_760dup20 variant in the PNPLA1 gene has not been reported previously as a pathogenic variant nor as a benign variant, to our knowledge. This variant causes a frameshift starting with codon Tyrosine 254, changes this amino acid to a Cysteine residue, and creates a premature Stop codon at position 9 of the new reading frame, denoted p.Tyr254CysfsX9. The c.741_760dup20 variant is predicted to cause loss of normal protein function either through protein truncation or nonsense-mediated mRNA decay. Additionally, this variant is not observed in large population cohorts (Lek et al., 2016; 1000 Genomes Consortium et al., 2015; Exome Variant Server). We interpret c.741_760dup20 as a likely pathogenic variant.

NM_001374623.1(PNPLA1):c.741_760dup (p.Tyr254fs)

Gene: PNPLA1 (patatin like phospholipase domain containing 1; plus strand). Cytogenetic location: 6p21.31.
Variant type: Duplication.
Coding change: c.741_760dup on transcript NM_001374623.1 (MANE Select); coding-DNA positions 741 to 760, 20 bases duplicated (GTACGAGGATGCAGTTTTGT).
Protein change: p.Tyr254fs; shifts the reading frame from tyrosine 254.
Molecular consequence: frameshift variant.
Genome position (GRCh38, 1-based): chr6:36,295,390-36,295,409, GTACGAGGATGCAGTTTTGT duplicated. VCF-style (leftmost placement, unchanged base first): chr6-36295389-G-GGTACGAGGATGCAGTTTTGT. GRCh37 (hg19) VCF-style: chr6-36263166-G-GGTACGAGGATGCAGTTTTGT.
Other names: c.483_502dup, p.Tyr168fs (NM_001145716.2); c.741_760dup, p.Tyr254fs (NM_001145717.1); c.456_475dup, p.Tyr159fs (NM_173676.2); c.741_760dupGTACGAGGATGCAGTTTTGT (NM_001145717.1); short protein forms Y159fs, Y254fs, Y168fs.
Identifiers: ClinVar variation 426574 (VCV000426574.2), dbSNP rs767462752, ClinGen allele CA3777838.